The following is an entry in ClinVar:

NM_003470.3(USP7):c.383+1G>A

Gene: USP7 (ubiquitin specific peptidase 7; minus strand). Cytogenetic location: 16p13.2.
Variant type: single nucleotide variant.
Coding change: c.383+1G>A on transcript NM_003470.3 (MANE Select); the canonical splice donor site of the intron after coding-DNA position 383, G replaced by A.
Molecular consequence: splice donor variant.
Genome position (GRCh38, 1-based): chr16:8,923,214, C>T on the plus strand (G>A on the coding strand, the complement: USP7 is on the minus strand). VCF-style: chr16-8923214-C-T. GRCh37 (hg19) VCF-style: chr16-9017071-C-T.
Other names: c.209+1G>A (NM_001321858.2); c.335+1G>A (NM_001286457.2); c.86+1G>A (NM_001286458.2).
Identifiers: ClinVar variation 4818900 (VCV004818900.1).

ClinVar aggregate classification (germline): Pathogenic (1 of 4 stars; one submission).

Submission:

GeneDx
Classification: Pathogenic. Last evaluated: 2025-09-25. Review status: criteria provided, single submitter. Criteria: GeneDx Variant Classification Process June 2021. Collection method: clinical testing. Allele origin: germline. Affected: yes.
Comment: Canonical splice site variant predicted to result in a null allele in a gene for which loss of function is a known mechanism of disease; Not observed at significant frequency in large population cohorts (gnomAD); This variant is associated with the following publications: (PMID: 30679821, 36273155)